The following is an entry in ClinVar:

NM_001165963.4(SCN1A):c.3151C>T (p.Leu1051Phe)

Genes: SCN1A (sodium voltage-gated channel alpha subunit 1; minus strand), LOC102724058 (uncharacterized LOC102724058; plus strand). Cytogenetic location: 2q24.3.
Variant type: single nucleotide variant.
Coding change: c.3151C>T on transcript NM_001165963.4 (MANE Select); coding-DNA position 3151, C replaced by T.
Protein change: p.Leu1051Phe; replaces leucine 1051 with phenylalanine.
Molecular consequence: missense variant. On other transcripts: non-coding transcript variant (2).
Genome position (GRCh38, 1-based): chr2:166,036,326, G>A on the plus strand (C>T on the coding strand, the complement: SCN1A is on the minus strand). VCF-style: chr2-166036326-G-A. GRCh37 (hg19) VCF-style: chr2-166892836-G-A.
Other names: c.3067C>T, p.Leu1023Phe (NM_001165964.3, NM_001353957.2, NM_001353958.2); c.3151C>T, p.Leu1051Phe (NM_001202435.3, NM_001353948.2); c.3118C>T, p.Leu1040Phe (NM_001353949.2, NM_001353950.2, NM_001353951.2 and 2 more transcripts); c.3115C>T, p.Leu1039Phe (NM_001353954.2, NM_001353955.2); c.3064C>T, p.Leu1022Phe (NM_001353960.2); c.709C>T, p.Leu237Phe (NM_001353961.2); short protein forms L1039F, L237F, L1023F, L1040F, L1051F, L1022F.
Identifiers: ClinVar variation 4739589 (VCV004739589.1).

ClinVar aggregate classification (germline): Uncertain significance (1 of 4 stars; one submission).

Conditions:
Early-infantile DEE. Also called: Early infantile epileptic encephalopathy; Ohtahara syndrome; Early infantile epileptic encephalopathy with suppression bursts. Identifiers: Orphanet 1934, MedGen C0393706, MONDO:0800491.

gnomAD v4.1: 6 of 1,612,696 alleles (0.00037%); highest among the groups gnomAD compares: African/African-American, 0.0027%; no homozygotes.

Submission:

Labcorp Genetics (formerly Invitae), Labcorp
Classification: Uncertain significance for Early-infantile DEE. Last evaluated: 2025-11-13. Review status: criteria provided, single submitter. Criteria: Invitae Variant Classification Sherloc (09022015). Collection method: clinical testing. Allele origin: germline.
Comment: This sequence change replaces leucine, which is neutral and non-polar, with phenylalanine, which is neutral and non-polar, at codon 1051 of the SCN1A protein (p.Leu1051Phe). This variant is present in population databases (no rsID available, gnomAD 0.007%). This variant has not been reported in the literature in individuals affected with SCN1A-related conditions. Invitae Evidence Modeling of protein sequence and biophysical properties (such as structural, functional, and spatial information, amino acid conservation, physicochemical variation, residue mobility, and thermodynamic stability) indicates that this missense variant is not expected to disrupt SCN1A protein function with a negative predictive value of 95%. In summary, the available evidence is currently insufficient to determine the role of this variant in disease. Therefore, it has been classified as a Variant of Uncertain Significance.